The following is an entry in ClinVar:

NM_152393.4(KLHL40):c.85C>T (p.His29Tyr)

Gene: KLHL40 (kelch like family member 40; plus strand). Cytogenetic location: 3p22.1.
Variant type: single nucleotide variant.
Coding change: c.85C>T on transcript NM_152393.4 (MANE Select); coding-DNA position 85, C replaced by T.
Protein change: p.His29Tyr; replaces histidine 29 with tyrosine.
Molecular consequence: missense variant.
Genome position (GRCh38, 1-based): chr3:42,685,703, C>T. VCF-style: chr3-42685703-C-T. GRCh37 (hg19) VCF-style: chr3-42727195-C-T.
Other names: short protein forms H29Y.
Identifiers: ClinVar variation 858614 (VCV000858614.8), dbSNP rs370340355, ClinGen allele CA352288656.

ClinVar aggregate classification (germline): Uncertain significance (1 of 4 stars; one submission).

Conditions:
Nemaline myopathy 8 (NEM8). Also called: Nemaline myopathy 8, autosomal recessive. Identifiers: Orphanet 171430, MedGen C3809209, MONDO:0014138, OMIM 615348.

Submission:

Labcorp Genetics (formerly Invitae), Labcorp
Classification: Uncertain significance for Nemaline myopathy 8. Last evaluated: 2022-07-06. Review status: criteria provided, single submitter. Criteria: Invitae Variant Classification Sherloc (09022015). Collection method: clinical testing. Allele origin: germline.
Comment: This sequence change replaces histidine, which is basic and polar, with tyrosine, which is neutral and polar, at codon 29 of the KLHL40 protein (p.His29Tyr). This variant is not present in population databases (gnomAD no frequency). This variant has not been reported in the literature in individuals affected with KLHL40-related conditions. ClinVar contains an entry for this variant (Variation ID: 858614). Algorithms developed to predict the effect of missense changes on protein structure and function are either unavailable or do not agree on the potential impact of this missense change (SIFT: "Deleterious"; PolyPhen-2: "Possibly Damaging"; Align-GVGD: "Class C0"). In summary, the available evidence is currently insufficient to determine the role of this variant in disease. Therefore, it has been classified as a Variant of Uncertain Significance.